The following is an entry in ClinVar:

ClinVar aggregate classification (germline): Pathogenic. Review status: criteria provided, multiple submitters, no conflicts (2 of 4 stars). 5 submissions from 5 submitters: Pathogenic (4). 1 of the submissions does not count toward it. Last evaluated 2025-11-03.

Conditions:
Arthrogryposis multiplex congenita 6. Identifiers: MedGen C5543431, MONDO:0030281, OMIM 619334.
Nemaline myopathy. Also called: Myopathies, Nemaline. Identifiers: Orphanet 607, MedGen C0206157, MONDO:0018958.
Nemaline myopathy 2 (NEM2). Also called: Nemaline myopathy 2, autosomal recessive. Identifiers: MedGen C1850569, MONDO:0009725, OMIM 256030.

Allele frequency attached by ClinVar (database versions not stated): TOPMed 0.00001; gnomAD exomes below 0.00001.
gnomAD v4.1: 2 of 1,605,976 alleles (0.00012%); highest among the groups gnomAD compares: South Asian, 0.0022%; no homozygotes.

Submissions (5):

Labcorp Genetics (formerly Invitae), Labcorp
Classification: Pathogenic for Nemaline myopathy 2. Last evaluated: 2025-11-03. Review status: criteria provided, single submitter. Criteria: Invitae Variant Classification Sherloc (09022015). Collection method: clinical testing. Allele origin: germline.
Comment: This sequence change creates a premature translational stop signal (p.Arg6270*) in the NEB gene. It is expected to result in an absent or disrupted protein product. Loss-of-function variants in NEB are known to be pathogenic (PMID: 25205138). This variant is present in population databases (rs754369875, gnomAD 0.003%). This premature translational stop signal has been observed in individual(s) with NEB-related conditions (PMID: 22367672). ClinVar contains an entry for this variant (Variation ID: 553116). Algorithms developed to predict the effect of sequence changes on RNA splicing suggest that this variant may disrupt the consensus splice site. For these reasons, this variant has been classified as Pathogenic.

Broad Center for Mendelian Genomics, Broad Institute of MIT and Harvard
Classification: Pathogenic for Nemaline myopathy. Last evaluated: 2025-03-07. Review status: criteria provided, single submitter. Criteria: ACMG Guidelines, 2015. Collection method: curation. Allele origin: germline. Inheritance: Autosomal recessive inheritance.
Comment: The p.Arg6270Ter variant in NEB has been reported, in the compound heterozygous state, in one individual with nemaline myopathy (PMID: 35081925), and has been identified in 0.002% (2/84906) of South Asian chromosomes by the Genome Aggregation Database (gnomAD; dbSNP ID: rs754369875). Although this variant has been seen in the general population in a heterozygous state, its frequency is low enough to be consistent with a recessive carrier frequency. This nonsense variant leads to a premature termination codon at position 6270, which is predicted to lead to a truncated or absent protein. Loss of function of the NEB gene is an established disease mechanism in autosomal recessive nemaline myopathy. In summary, this variant meets criteria to be classified as pathogenic for autosomal recessive nemaline myopathy. ACMG/AMP Criteria applied: PVS1, PM3, PM2_supporting (Richards 2015).

Baylor Genetics
Classification: Pathogenic for Arthrogryposis multiplex congenita 6. Last evaluated: 2023-04-12. Review status: criteria provided, single submitter. Criteria: ACMG Guidelines, 2015. Collection method: clinical testing. Allele origin: unknown.

Kariminejad - Najmabadi Pathology & Genetics Center
Classification: Pathogenic for Nemaline myopathy 2. Last evaluated: 2020-10-12. Review status: criteria provided, single submitter. Criteria: ACMG Guidelines, 2015. Collection method: clinical testing. Allele origin: germline. Inheritance: Autosomal recessive inheritance. Affected: yes.
Comment: PVS1,PM2,PP3,PP5

Counsyl
Classification: Pathogenic for Nemaline myopathy 2. Last evaluated: 2017-07-27. Review status: no assertion criteria provided. Collection method: clinical testing. Allele origin: unknown. Not counted in ClinVar's aggregate classification.

Literature cited by the submitters: PubMed 25205138 (cited by Labcorp Genetics (formerly Invitae), Labcorp and Counsyl); PubMed 22367672 (cited by Labcorp Genetics (formerly Invitae), Labcorp and Counsyl).

NM_001164508.2(NEB):c.18808C>T (p.Arg6270Ter)

Gene: NEB (nebulin; minus strand). Cytogenetic location: 2q23.3.
Variant type: single nucleotide variant.
Coding change: c.18808C>T on transcript NM_001164508.2 (MANE Select); coding-DNA position 18808, C replaced by T.
Protein change: p.Arg6270Ter; replaces arginine 6270 with a stop codon.
Molecular consequence: nonsense.
Genome position (GRCh38, 1-based): chr2:151,562,694, G>A on the plus strand (C>T on the coding strand, the complement: NEB is on the minus strand). VCF-style: chr2-151562694-G-A. GRCh37 (hg19) VCF-style: chr2-152419208-G-A.
Other names: NM_001164508.2(NEB):c.18808C>T; p.Arg6270Ter; c.18808C>T, p.Arg6270Ter (NM_001164507.2, NM_001271208.2); c.13705C>T, p.Arg4569Ter (NM_004543.5); short protein forms R6270*, R4569*.
Identifiers: ClinVar variation 553116 (VCV000553116.7), dbSNP rs754369875, ClinGen allele CA57656219.
Genomic context (GRCh38, chr2:151,562,694, plus strand): 5'-TTCGGACGCGTATAACATTGGGTTCTTCCAGAAGAGACGTCCACTGGTGGAAATAGTGTC[G>A]ATACTCCAGGTCACTGAGGATGTACTGGCACCTTTTAGCCAGCACGTGATTCATCATGTC-3'